The following is an entry in ClinVar:

ClinVar aggregate classification (germline): Conflicting classifications of pathogenicity. Review status: criteria provided, conflicting classifications (1 of 4 stars). 7 submissions from 7 submitters: Uncertain significance (1); Benign (3); Likely benign (3). Last evaluated 2026-01-16.

Conditions:
Autosomal dominant aplasia and myelodysplasia. Also called: Bone marrow failure syndrome 1. Identifiers: Orphanet 314399, MedGen C3808553, MONDO:0013851, OMIM 614675.

Allele frequency attached by ClinVar (database versions not stated): 1000 Genomes Project 30x 0.00016; 1000 Genomes Project 0.00020; ESP Exome Variant Server 0.00023; gnomAD 0.00027 and 0.00028; TOPMed 0.00029; ExAC 0.00047; gnomAD exomes 0.00059.

Submissions (7):

Labcorp Genetics (formerly Invitae), Labcorp
Classification: Benign. Last evaluated: 2026-01-16. Review status: criteria provided, single submitter. Criteria: Invitae Variant Classification Sherloc (09022015). Collection method: clinical testing. Allele origin: germline.

Blueprint Genetics
Classification: Likely benign. Last evaluated: 2024-11-05. Review status: criteria provided, single submitter. Criteria: ACMG Guidelines, 2015. Collection method: clinical testing. Allele origin: germline.

Department of Pathology and Laboratory Medicine, Sinai Health System
Classification: Benign for Autosomal dominant aplasia and myelodysplasia. Last evaluated: 2023-03-16. Review status: criteria provided, single submitter. Criteria: ACMG Guidelines, 2015. Collection method: research. Allele origin: germline.

GeneDx
Classification: Uncertain significance. Last evaluated: 2022-11-10. Review status: criteria provided, single submitter. Criteria: GeneDx Variant Classification Process June 2021. Collection method: clinical testing. Allele origin: germline. Affected: yes.
Comment: In silico analysis supports that this missense variant does not alter protein structure/function; Has not been previously published as pathogenic or benign to our knowledge; This variant is associated with the following publications: (PMID: 28369529, 27899666)

Genetic Services Laboratory, University of Chicago
Classification: Likely benign. Last evaluated: 2019-03-20. Review status: criteria provided, single submitter. Criteria: ACMG Guidelines, 2015. Collection method: clinical testing. Allele origin: germline. Affected: no.

Illumina Laboratory Services, Illumina
Classification: Benign for Autosomal dominant aplasia and myelodysplasia. Last evaluated: 2018-01-13. Review status: criteria provided, single submitter. Criteria: ICSL Variant Classification Criteria 13 December 2019. Collection method: clinical testing. Allele origin: germline.
Comment: This variant was observed in the ICSL laboratory as part of a predisposition screen in an ostensibly healthy population. It had not been previously curated by ICSL or reported in the Human Gene Mutation Database (HGMD: prior to June 1st, 2018), and was therefore a candidate for classification through an automated scoring system. Utilizing variant allele frequency, disease prevalence and penetrance estimates, and inheritance mode, an automated score was calculated to assess if this variant is too frequent to cause the disease. Based on the score and internal cut-off values, a variant classified as benign is not then subjected to further curation. The score for this variant resulted in a classification of benign for this disease.

Breakthrough Genomics
Classification: Likely benign. Review status: criteria provided, single submitter. Criteria: ACMG Guidelines, 2015. Collection method: not provided. Allele origin: germline. Inheritance: Autosomal dominant inheritance. Affected: yes.

NM_006947.4(SRP72):c.406G>A (p.Val136Ile)

Gene: SRP72 (signal recognition particle 72; plus strand). Cytogenetic location: 4q12.
Variant type: single nucleotide variant.
Coding change: c.406G>A on transcript NM_006947.4 (MANE Select); coding-DNA position 406, G replaced by A.
Protein change: p.Val136Ile; replaces valine 136 with isoleucine.
Molecular consequence: missense variant. On other transcripts: non-coding transcript variant (1).
Genome position (GRCh38, 1-based): chr4:56,474,105, G>A. VCF-style: chr4-56474105-G-A. GRCh37 (hg19) VCF-style: chr4-57340271-G-A.
Other names: c.406G>A, p.Val136Ile (NM_001267722.2); short protein forms V136I.
Identifiers: ClinVar variation 349121 (VCV000349121.20), dbSNP rs145817936, ClinGen allele CA2931058.
Genomic context (GRCh38, chr4:56,474,105, plus strand): 5'-ATTATTCAGTTATACCGTTTGGAACGCTATGATGAATGCTTAGCAGTGTATAGAGATCTC[G>A]TCCGAAACTCCCAAGATGATTATGATGAGGAGAGGAAAACAAACCTTTCAGCAGTTGTTG-3'
Protein context (NP_008878.3, residues 126-146): DECLAVYRDL[Val136Ile]RNSQDDYDEE